The following is an entry in ClinVar:

ClinVar aggregate classification (germline): Likely benign. Review status: criteria provided, multiple submitters, no conflicts (2 of 4 stars). 4 submissions from 4 submitters: Likely benign (2). 2 of the submissions do not count toward it. Last evaluated 2025-10-18.

Conditions:
DNAI1-related disorder. Also called: DNAI1-related condition.
Primary ciliary dyskinesia. Also called: Ciliary dyskinesia. Identifiers: Orphanet 244, MedGen C0008780, MONDO:0016575, HP:0012265.

Allele frequency attached by ClinVar (database versions not stated): gnomAD exomes 0.00003 and 0.00008; ExAC 0.00012; gnomAD 0.00023 and 0.00029; TOPMed 0.00036; ESP Exome Variant Server 0.00046.
gnomAD v4.1: 79 of 1,613,890 alleles (0.0049%); highest among the groups gnomAD compares: African/African-American, 0.088%; no homozygotes.

Submissions (4):

Labcorp Genetics (formerly Invitae), Labcorp
Classification: Likely benign for Primary ciliary dyskinesia. Last evaluated: 2025-10-18. Review status: criteria provided, single submitter. Criteria: Invitae Variant Classification Sherloc (09022015). Collection method: clinical testing. Allele origin: germline.

Ambry Genetics
Classification: Likely benign for Primary ciliary dyskinesia. Last evaluated: 2018-07-05. Review status: criteria provided, single submitter. Criteria: Ambry Variant Classification Scheme 2023. Collection method: clinical testing. Allele origin: germline.

Natera, Inc.
Classification: Likely benign for Primary ciliary dyskinesia. Last evaluated: 2020-04-13. Review status: no assertion criteria provided. Collection method: clinical testing. Allele origin: germline. Not counted in ClinVar's aggregate classification.

PreventionGenetics, part of Exact Sciences
Classification: Likely benign for DNAI1-related condition. Last evaluated: 2019-08-14. Review status: no assertion criteria provided. Collection method: clinical testing. Allele origin: germline. Not counted in ClinVar's aggregate classification.
Comment: This variant is classified as likely benign based on ACMG/AMP sequence variant interpretation guidelines (Richards et al. 2015 PMID: 25741868, with internal and published modifications).

NM_012144.4(DNAI1):c.276G>A (p.Lys92=)

Gene: DNAI1 (dynein axonemal intermediate chain 1; plus strand). Cytogenetic location: 9p13.3.
Variant type: single nucleotide variant.
Coding change: c.276G>A on transcript NM_012144.4 (MANE Select); coding-DNA position 276, G replaced by A.
Protein change: p.Lys92=; no amino-acid change (lysine 92 retained).
Molecular consequence: synonymous variant.
Genome position (GRCh38, 1-based): chr9:34,489,337, G>A. VCF-style: chr9-34489337-G-A. GRCh37 (hg19) VCF-style: chr9-34489335-G-A.
Other names: c.276G>A (NM_012144.2); c.276G>A, p.Lys92= (NM_001281428.2).
Identifiers: ClinVar variation 695781 (VCV000695781.16), dbSNP rs140983343, ClinGen allele CA5034005.